The following is an entry in ClinVar:

ClinVar aggregate classification (germline): Likely benign (1 of 4 stars; one submission).

Submission:

CeGaT Center for Human Genetics Tuebingen
Classification: Likely benign. Last evaluated: 2025-08-01. Review status: criteria provided, single submitter. Criteria: CeGaT Center For Human Genetics Tuebingen Variant Classification Criteria Version 2. Collection method: clinical testing. Allele origin: germline. Affected: yes. Observed: 1 variant allele.
Comment: WDR11: PM2:Supporting, BP4, BP7

NM_018117.12(WDR11):c.3447C>T (p.Tyr1149=)

Gene: WDR11 (WD repeat domain 11; plus strand). Cytogenetic location: 10q26.12.
Variant type: single nucleotide variant.
Coding change: c.3447C>T on transcript NM_018117.12 (MANE Select); coding-DNA position 3447, C replaced by T.
Protein change: p.Tyr1149=; no amino-acid change (tyrosine 1149 retained).
Molecular consequence: synonymous variant.
Genome position (GRCh38, 1-based): chr10:120,906,785, C>T. VCF-style: chr10-120906785-C-T. GRCh37 (hg19) VCF-style: chr10-122666297-C-T.
Identifiers: ClinVar variation 4085819 (VCV004085819.8).
Genomic context (GRCh38, chr10:120,906,785, plus strand): 5'-ACCAGTGATGTAAATCACAAAGCATAACTCTTGTTTTGTTCTGTTGAGCAGCATGAGATA[C>T]TTTGATAGAGCAGCCTTATTTGTGGAAGCTTGCCTCAAGTATGGAGCATTTGAAGTCACT-3'
Protein context (NP_060587.8, residues 1139-1159): SVAETLHSMR[Tyr1149=]FDRAALFVEA